The following is an entry in ClinVar:

NM_014423.4(AFF4):c.339C>T (p.Pro113=)

Gene: AFF4 (ALF transcription elongation factor 4; minus strand). Cytogenetic location: 5q31.1.
Variant type: single nucleotide variant.
Coding change: c.339C>T on transcript NM_014423.4 (MANE Select); coding-DNA position 339, C replaced by T.
Protein change: p.Pro113=; no amino-acid change (proline 113 retained).
Molecular consequence: synonymous variant.
Genome position (GRCh38, 1-based): chr5:132,934,726, G>A on the plus strand (C>T on the coding strand, the complement: AFF4 is on the minus strand). VCF-style: chr5-132934726-G-A. GRCh37 (hg19) VCF-style: chr5-132270418-G-A.
Identifiers: ClinVar variation 772337 (VCV000772337.26), dbSNP rs143884299, ClinGen allele CA3409452.

ClinVar aggregate classification (germline): Benign/Likely benign. Review status: criteria provided, multiple submitters, no conflicts (2 of 4 stars). 2 submissions from 2 submitters: Benign (1); Likely benign (1). Last evaluated 2026-01-07.

Conditions:
Cognitive impairment - coarse facies - heart defects - obesity - pulmonary involvement - short stature - skeletal dysplasia syndrome. Also called: COGNITIVE IMPAIRMENT, COARSE FACIES, HEART DEFECTS, OBESITY, PULMONARY INVOLVEMENT, SHORT STATURE, AND SKELETAL DYSPLASIA; AFF4-Related CHOPS Syndrome; Chops syndrome. Identifiers: Orphanet 444077, MedGen C4085597, MONDO:0014609, OMIM 616368.

Allele frequency attached by ClinVar (database versions not stated): gnomAD 0.00034 and 0.00035; ESP Exome Variant Server 0.00038; ExAC 0.00040; TOPMed 0.00041; gnomAD exomes 0.00045 and 0.00060; 1000 Genomes Project 30x 0.00047; 1000 Genomes Project 0.00060.
gnomAD v4.1: 928 of 1,614,014 alleles (0.057%); highest among the groups gnomAD compares: Admixed American, 0.072%; 1 homozygote.

Submissions (2):

Labcorp Genetics (formerly Invitae), Labcorp
Classification: Benign for Cognitive impairment - coarse facies - heart defects - obesity - pulmonary involvement - short stature - skeletal dysplasia syndrome. Last evaluated: 2026-01-07. Review status: criteria provided, single submitter. Criteria: Invitae Variant Classification Sherloc (09022015). Collection method: clinical testing. Allele origin: germline.

CeGaT Center for Human Genetics Tuebingen
Classification: Likely benign. Last evaluated: 2025-11-01. Review status: criteria provided, single submitter. Criteria: CeGaT Center For Human Genetics Tuebingen Variant Classification Criteria Version 2. Collection method: clinical testing. Allele origin: germline. Affected: yes. Observed: 1 variant allele.
Comment: AFF4: BP4, BP7